The following is an entry in ClinVar:

NM_001127208.3(TET2):c.293T>G (p.Val98Gly)

Genes: TET2 (tet methylcytosine dioxygenase 2; plus strand), TET2-AS1 (TET2 antisense RNA 1; minus strand). Cytogenetic location: 4q24.
Variant type: single nucleotide variant.
Coding change: c.293T>G on transcript NM_001127208.3 (MANE Select); coding-DNA position 293, T replaced by G.
Protein change: p.Val98Gly; replaces valine 98 with glycine.
Molecular consequence: missense variant.
Genome position (GRCh38, 1-based): chr4:105,234,235, T>G. VCF-style: chr4-105234235-T-G. GRCh37 (hg19) VCF-style: chr4-106155392-T-G.
Other names: c.293T>G, p.Val98Gly (NM_017628.4); short protein forms V98G.
Identifiers: ClinVar variation 5030694 (VCV005030694.1).

ClinVar aggregate classification (germline): Uncertain significance (1 of 4 stars; one submission).

Submission:

Ambry Genetics
Classification: Uncertain significance. Last evaluated: 2026-07-02. Review status: criteria provided, single submitter. Criteria: Ambry Variant Classification Scheme 2023. Collection method: clinical testing. Allele origin: germline.
Comment: The p.V98G variant (also known as c.293T>G), located in coding exon 1 of the TET2 gene, results from a T to G substitution at nucleotide position 293. The valine at codon 98 is replaced by glycine, an amino acid with dissimilar properties. This amino acid position is conserved. In addition, this alteration is predicted to be tolerated by in silico analysis. Based on the available evidence, the clinical significance of this variant remains unclear.